The following is an entry in ClinVar:

ClinVar aggregate classification (germline): Uncertain significance (1 of 4 stars; one submission).

Allele frequency attached by ClinVar (database versions not stated): gnomAD exomes below 0.00001; gnomAD 0.00001; TOPMed 0.00001.
gnomAD v4.1: 11 of 1,614,110 alleles (0.00068%); highest among the groups gnomAD compares: Middle Eastern, 0.016%; no homozygotes.

Submission:

Labcorp Genetics (formerly Invitae), Labcorp
Classification: Uncertain significance. Last evaluated: 2022-07-19. Review status: criteria provided, single submitter. Criteria: Invitae Variant Classification Sherloc (09022015). Collection method: clinical testing. Allele origin: germline.
Comment: Algorithms developed to predict the effect of missense changes on protein structure and function output the following: SIFT: "Tolerated"; PolyPhen-2: "Benign"; Align-GVGD: "Class C0". The alanine amino acid residue is found in multiple mammalian species, which suggests that this missense change does not adversely affect protein function. In summary, the available evidence is currently insufficient to determine the role of this variant in disease. Therefore, it has been classified as a Variant of Uncertain Significance. ClinVar contains an entry for this variant (Variation ID: 1365852). This variant has not been reported in the literature in individuals affected with MME-related conditions. This variant is not present in population databases (gnomAD no frequency). This sequence change replaces threonine, which is neutral and polar, with alanine, which is neutral and non-polar, at codon 76 of the MME protein (p.Thr76Ala).

NM_007289.4(MME):c.226A>G (p.Thr76Ala)

Gene: MME (membrane metalloendopeptidase; plus strand). Cytogenetic location: 3q25.2.
Variant type: single nucleotide variant.
Coding change: c.226A>G on transcript NM_007289.4 (MANE Select); coding-DNA position 226, A replaced by G.
Protein change: p.Thr76Ala; replaces threonine 76 with alanine.
Molecular consequence: missense variant.
Genome position (GRCh38, 1-based): chr3:155,115,023, A>G. VCF-style: chr3-155115023-A-G. GRCh37 (hg19) VCF-style: chr3-154832812-A-G.
Other names: c.226A>G, p.Thr76Ala (NM_000902.5, NM_001354642.2, NM_001354643.1 and 2 more transcripts); short protein forms T76A.
Identifiers: ClinVar variation 1365852 (VCV001365852.8), dbSNP rs1044344992, ClinGen allele CA85806233.
Genomic context (GRCh38, chr3:155,115,023, plus strand): 5'-ATTTTATCTAGTGTTTTCTCTGCTCTTGCAGCTGCTCGACTGATCCAAAACATGGATGCC[A>G]CCACTGAGCCTTGTACAGACTTTTTCAAATATGCTTGCGGAGGCTGGTTGAAACGTAATG-3'
Protein context (NP_009220.2, residues 66-86): AARLIQNMDA[Thr76Ala]TEPCTDFFKY